The following is an entry in ClinVar:

NM_177438.3(DICER1):c.890T>G (p.Leu297Ter)

Gene: DICER1 (dicer 1, ribonuclease III; minus strand). Cytogenetic location: 14q32.13.
Variant type: single nucleotide variant.
Coding change: c.890T>G on transcript NM_177438.3 (MANE Select); coding-DNA position 890, T replaced by G.
Protein change: p.Leu297Ter; replaces leucine 297 with a stop codon.
Molecular consequence: nonsense. On other transcripts: 5 prime UTR variant (1), non-coding transcript variant (6).
Genome position (GRCh38, 1-based): chr14:95,126,593, A>C on the plus strand (T>G on the coding strand, the complement: DICER1 is on the minus strand). VCF-style: chr14-95126593-A-C. GRCh37 (hg19) VCF-style: chr14-95592930-A-C.
Other names: c.890T>G, p.Leu297Ter (NM_001195573.1, NM_001271282.3, NM_001291628.2 and 14 more transcripts); c.608T>G, p.Leu203Ter (NM_001395686.1); c.485T>G, p.Leu162Ter (NM_001395687.1, NM_001395688.1, NM_001395689.1 and 3 more transcripts); c.323T>G, p.Leu108Ter (NM_001395691.1); c.-679T>G (NM_001395697.1); short protein forms L203*, L297*, L108*, L162*.
Identifiers: ClinVar variation 3501927 (VCV003501927.2).

ClinVar aggregate classification (germline): Pathogenic/Likely pathogenic. Review status: criteria provided, multiple submitters, no conflicts (2 of 4 stars). 2 submissions from 2 submitters: Pathogenic (1); Likely pathogenic (1). Last evaluated 2026-06-26.

Conditions:
Euthyroid goiter (MNG1). Also called: GOITER, NONTOXIC, WITH INTRATHYROIDAL CALCIFICATION; MULTINODULAR GOITER, ADOLESCENT; SIMPLE GOITER; Goiter, multinodular 1, with or without Sertoli-Leydig cell tumors. Identifiers: Orphanet 276399, MedGen C0302859, MONDO:0007681, OMIM 138800, HP:0009798.
Hereditary cancer-predisposing syndrome. Also called: Neoplastic Syndromes, Hereditary; Tumor predisposition; Hereditary neoplastic syndrome; Hereditary Cancer Syndrome. Identifiers: Orphanet 140162, MedGen C0027672, MeSH D009386, MONDO:0015356.

Submissions (2):

Department of Human Genetics, Hannover Medical School
Classification: Likely pathogenic for Euthyroid goiter. Last evaluated: 2026-06-26. Review status: criteria provided, single submitter. Criteria: ACMG Guidelines, 2015. Collection method: clinical testing. Allele origin: germline. Affected: yes.
Comment: PVS1, PM2_Supporting

Ambry Genetics
Classification: Pathogenic for Hereditary cancer-predisposing syndrome. Last evaluated: 2024-10-29. Review status: criteria provided, single submitter. Criteria: Ambry Variant Classification Scheme 2023. Collection method: clinical testing. Allele origin: germline.
Comment: The p.L297* pathogenic mutation (also known as c.890T>G), located in coding exon 6 of the DICER1 gene, results from a T to G substitution at nucleotide position 890. This changes the amino acid from a leucine to a stop codon within coding exon 6. This variant is considered to be rare based on population cohorts in the Genome Aggregation Database (gnomAD). This alteration is expected to result in loss of function by premature protein truncation or nonsense-mediated mRNA decay. As such, this alteration is interpreted as a disease-causing mutation.